The following is an entry in ClinVar:

ClinVar aggregate classification (germline): Benign (1 of 4 stars; one submission).

Allele frequency attached by ClinVar (database versions not stated): 1000 Genomes Project 0.43630; 1000 Genomes Project 30x 0.44066; TOPMed 0.52875.
gnomAD v4.1: 874,237 of 1,455,864 alleles (60%); highest among the groups gnomAD compares: Admixed American, 72%; 272,041 homozygotes.

Submission:

Unidad de Genómica Garrahan, Hospital de Pediatría Garrahan
Classification: Benign. Last evaluated: 2024-01-24. Review status: criteria provided, single submitter. Criteria: ACMG Guidelines, 2015. Collection method: clinical testing. Allele origin: germline. Affected: no. Observed: 68 variant alleles.
Comment: This variant is classified as Benign based on local population frequency. This variant was detected in 72% of patients studied by a panel of primary immunodeficiencies. Number of patients: 68. Only high quality variants are reported.

NM_006235.3(POU2AF1):c.16+102G>C

Gene: POU2AF1 (POU class 2 homeobox associating factor 1; minus strand). Cytogenetic location: 11q23.1.
Variant type: single nucleotide variant.
Coding change: c.16+102G>C on transcript NM_006235.3 (MANE Select); 102 bases into the intron after coding-DNA position 16, G replaced by C.
Molecular consequence: intron variant.
Genome position (GRCh38, 1-based): chr11:111,379,060, C>G on the plus strand (G>C on the coding strand, the complement: POU2AF1 is on the minus strand). VCF-style: chr11-111379060-C-G. GRCh37 (hg19) VCF-style: chr11-111249785-C-G.
Identifiers: ClinVar variation 2688010 (VCV002688010.2), dbSNP rs11213863, ClinGen allele CA13470649.